The following is an entry in ClinVar:

ClinVar aggregate classification (germline): Uncertain significance. Review status: criteria provided, multiple submitters, no conflicts (2 of 4 stars). 3 submissions from 3 submitters: Uncertain significance (3). Last evaluated 2025-11-13.

Conditions:
Exudative vitreoretinopathy 4 (EVR4). Identifiers: Orphanet 891, MedGen C1866176, MONDO:0011151, OMIM 601813.
LRP5-related disorder. Also called: LRP5-related condition.

Allele frequency attached by ClinVar (database versions not stated): gnomAD exomes below 0.00001; gnomAD 0.00001; TOPMed 0.00001.
gnomAD v4.1: 10 of 1,605,302 alleles (0.00062%); highest among the groups gnomAD compares: Admixed American, 0.005%; no homozygotes.

Submissions (3):

PreventionGenetics, part of Exact Sciences
Classification: Uncertain significance for LRP5-related condition. Last evaluated: 2025-11-13. Review status: criteria provided, single submitter. Criteria: ACMG Guidelines, 2015. Collection method: clinical testing. Allele origin: germline.
Comment: The LRP5 c.481G>A variant is predicted to result in the amino acid substitution p.Ala161Thr. To our knowledge, this variant has not been reported in the literature. This variant is reported in 0.0029% of alleles in individuals of Latino descent in gnomAD. At this time, the clinical significance of this variant is uncertain due to the absence of conclusive functional and genetic evidence.

Labcorp Genetics (formerly Invitae), Labcorp
Classification: Uncertain significance. Last evaluated: 2025-04-28. Review status: criteria provided, single submitter. Criteria: Invitae Variant Classification Sherloc (09022015). Collection method: clinical testing. Allele origin: germline.
Comment: This sequence change replaces alanine, which is neutral and non-polar, with threonine, which is neutral and polar, at codon 161 of the LRP5 protein (p.Ala161Thr). This variant is present in population databases (no rsID available, gnomAD 0.003%). This variant has not been reported in the literature in individuals affected with LRP5-related conditions. ClinVar contains an entry for this variant (Variation ID: 1484713). Invitae Evidence Modeling of protein sequence and biophysical properties (such as structural, functional, and spatial information, amino acid conservation, physicochemical variation, residue mobility, and thermodynamic stability) indicates that this missense variant is not expected to disrupt LRP5 protein function with a negative predictive value of 95%. In summary, the available evidence is currently insufficient to determine the role of this variant in disease. Therefore, it has been classified as a Variant of Uncertain Significance.

Genomic Medicine Center of Excellence, King Faisal Specialist Hospital and Research Centre
Classification: Uncertain significance for Exudative vitreoretinopathy 4. Last evaluated: 2024-12-18. Review status: criteria provided, single submitter. Criteria: ACMG Guidelines, 2015. Collection method: clinical testing. Allele origin: germline.

NM_002335.4(LRP5):c.481G>A (p.Ala161Thr)

Gene: LRP5 (LDL receptor related protein 5; plus strand). Cytogenetic location: 11q13.2.
Variant type: single nucleotide variant.
Coding change: c.481G>A on transcript NM_002335.4 (MANE Select); coding-DNA position 481, G replaced by A.
Protein change: p.Ala161Thr; replaces alanine 161 with threonine.
Molecular consequence: missense variant. On other transcripts: 5 prime UTR variant (1).
Genome position (GRCh38, 1-based): chr11:68,348,236, G>A. VCF-style: chr11-68348236-G-A. GRCh37 (hg19) VCF-style: chr11-68115704-G-A.
Other names: c.481G>A (NM_002335.3); c.-1285G>A (NM_001291902.2); short protein forms A161T.
Identifiers: ClinVar variation 1484713 (VCV001484713.8), dbSNP rs927637286, ClinGen allele CA224271349.